The following is an entry in ClinVar:

ClinVar aggregate classification (germline): Benign/Likely benign. Review status: criteria provided, multiple submitters, no conflicts (2 of 4 stars). 7 submissions from 7 submitters: Benign (4); Likely benign (3). Last evaluated 2026-03-30.

Conditions:
Autoinflammatory syndrome. Identifiers: Orphanet 93665, MedGen C3890737, MONDO:0019751.
Pyogenic arthritis-pyoderma gangrenosum-acne syndrome (PAPA). Also called: FAMILIAL RECURRENT ARTHRITIS; PAPA SYNDROME. Identifiers: Orphanet 69126, MedGen C1858361, MONDO:0011462, OMIM 604416.

Allele frequency attached by ClinVar (database versions not stated): gnomAD exomes 0.00046; ExAC 0.00074; ESP Exome Variant Server 0.00134; gnomAD 0.00173 and 0.00191; 1000 Genomes Project 0.00180; TOPMed 0.00195; 1000 Genomes Project 30x 0.00219.
gnomAD v4.1: 539 of 1,575,858 alleles (0.034%); highest among the groups gnomAD compares: African/African-American, 0.64%; 2 homozygotes.

Submissions (7):

Women's Health and Genetics/Laboratory Corporation of America, LabCorp
Classification: Benign. Last evaluated: 2026-03-30. Review status: criteria provided, single submitter. Criteria: LabCorp Variant Classification Summary - May 2015. Collection method: clinical testing. Allele origin: germline.

Labcorp Genetics (formerly Invitae), Labcorp
Classification: Benign for Pyogenic arthritis-pyoderma gangrenosum-acne syndrome. Last evaluated: 2026-01-06. Review status: criteria provided, single submitter. Criteria: Invitae Variant Classification Sherloc (09022015). Collection method: clinical testing. Allele origin: germline.

Mayo Clinic Laboratories, Mayo Clinic
Classification: Likely benign. Last evaluated: 2025-06-10. Review status: criteria provided, single submitter. Criteria: ACMG Guidelines, 2015. Collection method: clinical testing. Allele origin: germline. Observed: 1 variant allele.
Comment: BS1

Blueprint Genetics
Classification: Likely benign. Last evaluated: 2024-05-02. Review status: criteria provided, single submitter. Criteria: ACMG Guidelines, 2015. Collection method: clinical testing. Allele origin: germline.

Illumina Laboratory Services, Illumina
Classification: Benign for Pyogenic arthritis-pyoderma gangrenosum-acne syndrome. Last evaluated: 2018-01-13. Review status: criteria provided, single submitter. Criteria: ICSL Variant Classification Criteria 13 December 2019. Collection method: clinical testing. Allele origin: germline.
Comment: This variant was observed in the ICSL laboratory as part of a predisposition screen in an ostensibly healthy population. It had not been previously curated by ICSL or reported in the Human Gene Mutation Database (HGMD: prior to June 1st, 2018), and was therefore a candidate for classification through an automated scoring system. Utilizing variant allele frequency, disease prevalence and penetrance estimates, and inheritance mode, an automated score was calculated to assess if this variant is too frequent to cause the disease. Based on the score and internal cut-off values, a variant classified as benign is not then subjected to further curation. The score for this variant resulted in a classification of benign for this disease.

Genome Diagnostics Laboratory, The Hospital for Sick Children
Classification: Likely benign for Autoinflammatory syndrome. Last evaluated: 2017-04-26. Review status: criteria provided, single submitter. Criteria: ACMG Guidelines, 2015. Collection method: clinical testing. Allele origin: germline. Affected: yes.

GeneDx
Classification: Benign. Last evaluated: 2011-11-21. Review status: criteria provided, single submitter. Criteria: GeneDx Variant Classification (06012015). Collection method: clinical testing. Allele origin: germline. Affected: yes.
Comment: This variant is considered likely benign or benign based on one or more of the following criteria: it is a conservative change, it occurs at a poorly conserved position in the protein, it is predicted to be benign by multiple in silico algorithms, and/or has population frequency not consistent with disease.

NM_003978.5(PSTPIP1):c.985+6G>C

Gene: PSTPIP1 (proline-serine-threonine phosphatase interacting protein 1; plus strand). Cytogenetic location: 15q24.3.
Variant type: single nucleotide variant.
Coding change: c.985+6G>C on transcript NM_003978.5 (MANE Select); 6 bases into the intron after coding-DNA position 985, G replaced by C.
Molecular consequence: intron variant.
Genome position (GRCh38, 1-based): chr15:77,035,569, G>C. VCF-style: chr15-77035569-G-C. GRCh37 (hg19) VCF-style: chr15-77327910-G-C.
Other names: p.?; c.985+6G>C (LRG_172t1); c.1180+6G>C (NM_001321137.1); c.958+6G>C (NM_001321136.2); c.928+6G>C (NM_001321135.2).
Identifiers: ClinVar variation 138830 (VCV000138830.21), dbSNP rs139552419, ClinGen allele CA292948.